The following is an entry in ClinVar:

NM_002470.4(MYH3):c.3513G>T (p.Glu1171Asp)

Gene: MYH3 (myosin heavy chain 3; minus strand). Cytogenetic location: 17p13.1.
Variant type: single nucleotide variant.
Coding change: c.3513G>T on transcript NM_002470.4 (MANE Select); coding-DNA position 3513, G replaced by T.
Protein change: p.Glu1171Asp; replaces glutamic acid 1171 with aspartic acid.
Molecular consequence: missense variant.
Genome position (GRCh38, 1-based): chr17:10,638,259, C>A on the plus strand (G>T on the coding strand, the complement: MYH3 is on the minus strand). VCF-style: chr17-10638259-C-A. GRCh37 (hg19) VCF-style: chr17-10541576-C-A.
Other names: short protein forms E1171D.
Identifiers: ClinVar variation 1706355 (VCV001706355.2), dbSNP rs2508593173, ClinGen allele CA398151609.

ClinVar aggregate classification (germline): Uncertain significance (1 of 4 stars; one submission).

Allele frequency attached by ClinVar (database versions not stated): gnomAD exomes below 0.00001.

Submission:

GeneDx
Classification: Uncertain significance. Last evaluated: 2022-03-16. Review status: criteria provided, single submitter. Criteria: GeneDx Variant Classification Process June 2021. Collection method: clinical testing. Allele origin: germline. Affected: yes.
Comment: Not observed at significant frequency in large population cohorts (gnomAD); In silico analysis supports that this missense variant does not alter protein structure/function; Has not been previously published as pathogenic or benign to our knowledge